The following is an entry in ClinVar:

ClinVar aggregate classification (germline): Uncertain significance (1 of 4 stars; one submission).

Submission:

GeneDx
Classification: Uncertain significance. Last evaluated: 2019-04-25. Review status: criteria provided, single submitter. Criteria: GeneDx Variant Classification Process June 2021. Collection method: clinical testing. Allele origin: germline. Affected: yes.
Comment: Not observed in large population cohorts (Lek et al., 2016); In silico analysis, which includes protein predictors and evolutionary conservation, supports a deleterious effect; Has not been previously published as pathogenic or benign to our knowledge

NM_000540.3(RYR1):c.15017G>C (p.Gly5006Ala)

Gene: RYR1 (ryanodine receptor 1; plus strand). Cytogenetic location: 19q13.2.
Variant type: single nucleotide variant.
Coding change: c.15017G>C on transcript NM_000540.3 (MANE Select); coding-DNA position 15017, G replaced by C.
Protein change: p.Gly5006Ala; replaces glycine 5006 with alanine.
Molecular consequence: missense variant.
Genome position (GRCh38, 1-based): chr19:38,586,572, G>C. VCF-style: chr19-38586572-G-C. GRCh37 (hg19) VCF-style: chr19-39077212-G-C.
Other names: c.15002G>C, p.Gly5001Ala (NM_001042723.2); short protein forms G5001A, G5006A.
Identifiers: ClinVar variation 1302041 (VCV001302041.2), dbSNP rs1555805797, ClinGen allele CA405693848.